The following is an entry in ClinVar:

NM_001814.6(CTSC):c.872G>A (p.Cys291Tyr)

Gene: CTSC (cathepsin C; minus strand). Cytogenetic location: 11q14.2.
Variant type: single nucleotide variant.
Coding change: c.872G>A on transcript NM_001814.6 (MANE Select); coding-DNA position 872, G replaced by A.
Protein change: p.Cys291Tyr; replaces cysteine 291 with tyrosine.
Molecular consequence: missense variant.
Genome position (GRCh38, 1-based): chr11:88,296,150, C>T on the plus strand (G>A on the coding strand, the complement: CTSC is on the minus strand). VCF-style: chr11-88296150-C-T. GRCh37 (hg19) VCF-style: chr11-88029318-C-T.
Other names: c.872G>A (LRG_50t1); short protein forms C291Y.
Identifiers: ClinVar variation 306423 (VCV000306423.10), dbSNP rs748729285, ClinGen allele CA6219826.
Genomic context (GRCh38, chr11:88,296,150, plus strand): 5'-CAGGTAAATAGCTCATAAATGGTGTCTGAAATGCAACACTTACCTTGAGCATACTGGCTA[C>T]AAGACACAACCTCCTGAGGGCTTAGGATTGGGGTCTGAGAATTGTTGGTTAGTATACGGA-3'
Protein context (NP_001805.4, residues 281-301): PILSPQEVVS[Cys291Tyr]SQYAQGCEGG

ClinVar aggregate classification (germline): Uncertain significance. Review status: criteria provided, multiple submitters, no conflicts (2 of 4 stars). 3 submissions from 3 submitters: Uncertain significance (3). Last evaluated 2024-07-31.

Conditions:
Haim-Munk syndrome (HMS). Also called: COCHIN JEWISH DISORDER; KERATOSIS PALMOPLANTARIS WITH PERIODONTOPATHIA AND ONYCHOGRYPOSIS. Identifiers: Orphanet 2342, MedGen C1855627, MONDO:0009491, OMIM 245010.
Papillon-Lefèvre syndrome (PALS). Also called: KERATOSIS PALMOPLANTARIS WITH PERIODONTOPATHIA; Papillon-Lefevre Disease. Identifiers: Orphanet 678, MedGen C0030360, MONDO:0009490, OMIM 245000.
Periodontitis, aggressive. Identifiers: MedGen C0031106, MONDO:0980757.

Allele frequency attached by ClinVar (database versions not stated): gnomAD exomes below 0.00001 and 0.00001; gnomAD 0.00002.
gnomAD v4.1: 11 of 1,613,834 alleles (0.00068%); highest among the groups gnomAD compares: Admixed American, 0.0067%; no homozygotes.

Submissions (3):

Labcorp Genetics (formerly Invitae), Labcorp
Classification: Uncertain significance for Haim-Munk syndrome; Periodontitis, aggressive; Papillon-Lefèvre syndrome. Last evaluated: 2024-07-31. Review status: criteria provided, single submitter. Criteria: Invitae Variant Classification Sherloc (09022015). Collection method: clinical testing. Allele origin: germline.
Comment: This sequence change replaces cysteine, which is neutral and slightly polar, with tyrosine, which is neutral and polar, at codon 291 of the CTSC protein (p.Cys291Tyr). This variant is present in population databases (rs748729285, gnomAD 0.006%). This missense change has been observed in individuals with CTSC-related conditions (PMID: 11180601, 36740595). ClinVar contains an entry for this variant (Variation ID: 306423). Advanced modeling of protein sequence and biophysical properties (such as structural, functional, and spatial information, amino acid conservation, physicochemical variation, residue mobility, and thermodynamic stability) performed at Invitae indicates that this missense variant is expected to disrupt CTSC protein function with a positive predictive value of 80%. In summary, the available evidence is currently insufficient to determine the role of this variant in disease. Therefore, it has been classified as a Variant of Uncertain Significance.

Fulgent Genetics
Classification: Uncertain significance for Periodontitis, aggressive 1; Papillon-Lefèvre syndrome; Haim-Munk syndrome. Last evaluated: 2021-11-23. Review status: criteria provided, single submitter. Criteria: ACMG Guidelines, 2015. Collection method: clinical testing. Allele origin: unknown.

Illumina Laboratory Services, Illumina
Classification: Uncertain significance for Haim-Munk syndrome. Last evaluated: 2017-04-27. Review status: criteria provided, single submitter. Criteria: ICSL Variant Classification Criteria 13 December 2019. Collection method: clinical testing. Allele origin: germline.

Literature cited by the submitters: PubMed 11180601 (cited by Labcorp Genetics (formerly Invitae), Labcorp); PubMed 36740595 (cited by Labcorp Genetics (formerly Invitae), Labcorp).